The following is an entry in ClinVar:

ClinVar aggregate classification (germline): Benign (1 of 4 stars; one submission).

Allele frequency attached by ClinVar (database versions not stated): gnomAD exomes 0.01348; gnomAD 0.03802 and 0.03845; TOPMed 0.04203; 1000 Genomes Project 30x 0.05746; 1000 Genomes Project 0.05811.
gnomAD v4.1: 18,027 of 1,022,324 alleles (1.8%); highest among the groups gnomAD compares: African/African-American, 9.8%; 590 homozygotes.

Submission:

GeneDx
Classification: Benign. Last evaluated: 2018-06-16. Review status: criteria provided, single submitter. Criteria: GeneDx Variant Classification (06012015). Collection method: clinical testing. Allele origin: germline. Affected: yes.
Comment: This variant is considered likely benign or benign based on one or more of the following criteria: it is a conservative change, it occurs at a poorly conserved position in the protein, it is predicted to be benign by multiple in silico algorithms, and/or has population frequency not consistent with disease.

NM_020442.6(VARS2):c.2466+168G>C

Gene: VARS2 (valyl-tRNA synthetase 2, mitochondrial; plus strand). Cytogenetic location: 6p21.33.
Variant type: single nucleotide variant.
Coding change: c.2466+168G>C on transcript NM_020442.6 (MANE Select); 168 bases into the intron after coding-DNA position 2466, G replaced by C.
Molecular consequence: intron variant.
Genome position (GRCh38, 1-based): chr6:30,923,673, G>C. VCF-style: chr6-30923673-G-C. GRCh37 (hg19) VCF-style: chr6-30891450-G-C.
Other names: c.2556+168G>C (NM_001167734.2); c.2046+168G>C (NM_001167733.3).
Identifiers: ClinVar variation 673806 (VCV000673806.1), dbSNP rs535228401, ClinGen allele CA136812106.